The following is an entry in ClinVar:

NM_001130965.3(SUN1):c.520GCC[5] (p.Ala177dup)

Gene: SUN1 (Sad1 and UNC84 domain containing 1; plus strand). Cytogenetic location: 7p22.3.
Variant type: Microsatellite.
Coding change: c.520GCC[5] on transcript NM_001130965.3 (MANE Select); five copies in a row of the 3-base unit GCC starting at c.520; the reference has four copies in a row; one copy, 3 bases duplicated.
Protein change: p.Ala177dup; duplicates alanine 177.
Molecular consequence: inframe insertion. On other transcripts: 5 prime UTR variant (3), non-coding transcript variant (3), intron variant (1).
Genome position (GRCh38, 1-based): chr7:843,391-843,393, GCC duplicated; duplicating any 3 consecutive bases within chr7:843,382-843,393 gives the same sequence; the position shown is the placement nearest the transcript's 3' end. VCF-style (leftmost placement, unchanged base first): chr7-843381-A-AGCC. GRCh37 (hg19) VCF-style: chr7-883018-A-AGCC.
Other names: c.583GCC[5], p.Ala198dup (NM_001171945.2); c.520GCC[5], p.Ala177dup (NM_001171946.2, NM_001367633.1, NM_001367634.1 and 32 more transcripts); c.63GCC[5], p.Pro26dup (NM_001367635.1); c.370GCC[5], p.Ala127dup (NM_001367636.1, NM_001367644.1, NM_001367645.1 and 23 more transcripts); c.-48GCC[5] (NM_001367639.1, NM_001367708.1); c.739GCC[5], p.Ala250dup (NM_001367651.1); c.-242GCC[5] (NM_001367658.1); c.547GCC[5], p.Ala186dup (NM_001367669.1); and 2 more.
Identifiers: ClinVar variation 1014216 (VCV001014216.8), dbSNP rs1422408344, ClinGen allele CA1097453695.

ClinVar aggregate classification (germline): Uncertain significance (1 of 4 stars; one submission).

Conditions:
Emery-Dreifuss muscular dystrophy (EDMD). Also called: Scapuloperoneal syndrome, X-linked (formerly); Humeroperoneal neuromuscular disease, (formerly). Identifiers: Orphanet 261, MedGen C0410189, MONDO:0016830.

Submission:

Labcorp Genetics (formerly Invitae), Labcorp
Classification: Uncertain significance for Emery-Dreifuss muscular dystrophy. Last evaluated: 2021-01-14. Review status: criteria provided, single submitter. Criteria: Invitae Variant Classification Sherloc (09022015). Collection method: clinical testing. Allele origin: germline.
Comment: Experimental studies and prediction algorithms are not available or were not evaluated, and the functional significance of this variant is currently unknown. This variant has not been reported in the literature in individuals with SUN1-related conditions. This variant is not present in population databases (ExAC no frequency). This variant, c.529_531dup, results in the insertion of 1 amino acid(s) to the SUN1 protein (p.Ala177dup), but otherwise preserves the integrity of the reading frame. In summary, the available evidence is currently insufficient to determine the role of this variant in disease. Therefore, it has been classified as a Variant of Uncertain Significance.